The following is an entry in ClinVar:

NM_133433.4(NIPBL):c.2422C>T (p.Arg808Ter)

Gene: NIPBL (NIPBL cohesin loading factor; plus strand). Cytogenetic location: 5p13.2.
Variant type: single nucleotide variant.
Coding change: c.2422C>T on transcript NM_133433.4 (MANE Select); coding-DNA position 2422, C replaced by T.
Protein change: p.Arg808Ter; replaces arginine 808 with a stop codon.
Molecular consequence: nonsense.
Genome position (GRCh38, 1-based): chr5:36,985,602, C>T. VCF-style: chr5-36985602-C-T. GRCh37 (hg19) VCF-style: chr5-36985704-C-T.
Other names: c.2422C>T, p.Arg808Ter (NM_015384.5); short protein forms R808*.
Identifiers: ClinVar variation 159054 (VCV000159054.7), dbSNP rs587783902, ClinGen allele CA272012.

ClinVar aggregate classification (germline): Pathogenic. Review status: criteria provided, multiple submitters, no conflicts (2 of 4 stars). 2 submissions from 2 submitters: Pathogenic (2). Last evaluated 2023-10-15.

Conditions:
Cornelia de Lange syndrome 1 (CDLS1). Also called: Brachmann de Lange syndrome; NIPBL-Related Cornelia de Lange Syndrome; TYPUS DEGENERATIVUS AMSTELODAMENSIS. Identifiers: Orphanet 199, MedGen C4551851, MONDO:0007387, OMIM 122470.

Submissions (2):

GeneDx
Classification: Pathogenic. Last evaluated: 2023-10-15. Review status: criteria provided, single submitter. Criteria: GeneDx Variant Classification Process June 2021. Collection method: clinical testing. Allele origin: germline. Affected: yes.
Comment: Nonsense variant predicted to result in protein truncation or nonsense mediated decay in a gene for which loss of function is a known mechanism of disease; Not observed at significant frequency in large population cohorts (gnomAD); This variant is associated with the following publications: (PMID: 25525159, 20824775, 32856424)

Genetic Services Laboratory, University of Chicago
Classification: Pathogenic for Cornelia de Lange syndrome 1. Last evaluated: 2013-02-08. Review status: criteria provided, single submitter. Criteria: ACMG Guidelines, 2007. Collection method: clinical testing. Allele origin: germline. Inheritance: Autosomal dominant inheritance. Affected: yes.